The following is an entry in ClinVar:

NM_206933.4(USH2A):c.4031_4038del (p.Met1344fs)

Genes: USH2A-AS1 (USH2A antisense RNA 1; plus strand), USH2A (usherin; minus strand). Cytogenetic location: 1q41.
Variant type: Deletion.
Coding change: c.4031_4038del on transcript NM_206933.4 (MANE Select); coding-DNA positions 4031 to 4038, 8 bases deleted (TGGCTGGA; older notation c.4031_4038delTGGCTGGA).
Protein change: p.Met1344fs; shifts the reading frame from methionine 1344.
Molecular consequence: frameshift variant.
Genome position (GRCh38, 1-based): chr1:216,198,358-216,198,365, TCCAGCCA deleted on the plus strand (TGGCTGGA on the coding strand, the reverse complement: USH2A is on the minus strand); deleting any 8 consecutive bases within chr1:216,198,358-216,198,366 gives the same sequence; the c. name uses the placement nearest the transcript's 3' end. VCF-style (leftmost placement, unchanged base first): chr1-216198357-TTCCAGCCA-T. GRCh37 (hg19) VCF-style: chr1-216371699-TTCCAGCCA-T.
Other names: c.4031_4038del, p.Met1344fs (NM_007123.6); short protein forms M1344fs.
Identifiers: ClinVar variation 4817117 (VCV004817117.1).

ClinVar aggregate classification (germline): Likely pathogenic (1 of 4 stars; one submission).

Conditions:
Usher syndrome type 2A. Also called: RETINAL DISEASE IN USHER SYNDROME TYPE IIA, MODIFIER OF; USHER SYNDROME, TYPE IIA. Identifiers: Orphanet 231178, Orphanet 886, MedGen C1848634, MONDO:0010169, OMIM 276901.

Submission:

Natera, Inc.
Classification: Likely pathogenic for Usher syndrome type 2A. Last evaluated: 2024-11-21. Review status: criteria provided, single submitter. Criteria: Natera Variant Classification Schema (03/2026). Collection method: clinical testing. Allele origin: germline.
Comment: The c.4031_4038del variant in USH2A is a frameshift variant predicted to shift the reading frame beginning at codon 1344 and leads to a stop codon 42 codons downstream. This variant is expected to result in nonsense mediated decay, truncation, or a dysfunctional protein product. This variant is rare in the general population with a frequency below the threshold expected for the associated phenotype(s). Given the available evidence, this variant is classified as Likely Pathogenic.